The following is an entry in ClinVar:

NC_000008.11:g.85661992G>A

Variant type: single nucleotide variant.
Genome position: GRCh38 VCF-style: chr8-85661992-G-A. GRCh37 (hg19) VCF-style: chr8-86574221-G-A.
Identifiers: ClinVar variation 2658675 (VCV002658675.23), dbSNP rs1814204679, ClinGen allele CA461940981.

ClinVar aggregate classification (germline): Likely benign (1 of 4 stars; one submission).

Submission:

CeGaT Center for Human Genetics Tuebingen
Classification: Likely benign. Last evaluated: 2023-03-01. Review status: criteria provided, single submitter. Criteria: CeGaT Center For Human Genetics Tuebingen Variant Classification Criteria Version 2. Collection method: clinical testing. Allele origin: germline. Affected: yes. Observed: 1 variant allele.
Comment: REXO1L1P: BP4, BP7